The following is an entry in ClinVar:

NM_001012720.2(RGR):c.751G>A (p.Ala251Thr)

Gene: RGR (retinal G protein coupled receptor; plus strand). Cytogenetic location: 10q23.1.
Variant type: single nucleotide variant.
Coding change: c.751G>A on transcript NM_001012720.2 (MANE Select); coding-DNA position 751, G replaced by A.
Protein change: p.Ala251Thr; replaces alanine 251 with threonine.
Molecular consequence: missense variant.
Genome position (GRCh38, 1-based): chr10:84,258,514, G>A. VCF-style: chr10-84258514-G-A. GRCh37 (hg19) VCF-style: chr10-86018270-G-A.
Other names: c.637G>A, p.Ala213Thr (NM_001012722.2); c.763G>A, p.Ala255Thr (NM_002921.4); short protein forms A251T, A255T, A213T.
Identifiers: ClinVar variation 938372 (VCV000938372.11), dbSNP rs777299739, ClinGen allele CA5581582.

ClinVar aggregate classification (germline): Uncertain significance. Review status: criteria provided, multiple submitters, no conflicts (2 of 4 stars). 3 submissions from 3 submitters: Uncertain significance (3). Last evaluated 2025-08-19.

Conditions:
Retinitis pigmentosa 44 (RP44). Identifiers: Orphanet 791, MedGen C3151068, MONDO:0013414, OMIM 613769.

Allele frequency attached by ClinVar (database versions not stated): ExAC 0.00001; TOPMed 0.00002; gnomAD 0.00003; gnomAD exomes 0.00003.
gnomAD v4.1: 38 of 1,614,064 alleles (0.0024%); highest among the groups gnomAD compares: Middle Eastern, 0.016%; no homozygotes.

Submissions (3):

Ambry Genetics
Classification: Uncertain significance. Last evaluated: 2025-08-19. Review status: criteria provided, single submitter. Criteria: Ambry Variant Classification Scheme 2023. Collection method: clinical testing. Allele origin: germline.

Labcorp Genetics (formerly Invitae), Labcorp
Classification: Uncertain significance. Last evaluated: 2022-11-16. Review status: criteria provided, single submitter. Criteria: Invitae Variant Classification Sherloc (09022015). Collection method: clinical testing. Allele origin: germline.
Comment: This variant is present in population databases (rs777299739, gnomAD 0.02%). Algorithms developed to predict the effect of missense changes on protein structure and function are either unavailable or do not agree on the potential impact of this missense change (SIFT: "Deleterious"; PolyPhen-2: "Not Available"; Align-GVGD: "Class C0"). This variant has not been reported in the literature in individuals affected with RGR-related conditions. This sequence change replaces alanine, which is neutral and non-polar, with threonine, which is neutral and polar, at codon 251 of the RGR protein (p.Ala251Thr). ClinVar contains an entry for this variant (Variation ID: 938372). In summary, the available evidence is currently insufficient to determine the role of this variant in disease. Therefore, it has been classified as a Variant of Uncertain Significance.

Neuberg Centre For Genomic Medicine, NCGM
Classification: Uncertain significance for Retinitis pigmentosa 44. Review status: criteria provided, single submitter. Criteria: ACMG Guidelines, 2015. Collection method: clinical testing. Allele origin: germline. Inheritance: Autosomal recessive inheritance. Affected: yes.
Comment: The observed missense variant c.751G>A(p.Ala251Thr) in the RGR gene has not been reported previously as a pathogenic variant nor as a benign variant, to our knowledge. This variant is reported with the allele frequency 0.004% in the gnomAD Exomes. This variant has been reported to the ClinVar database as Uncertain Significance. However, no details are available for independent assessment. The amino acid Ala at position 251 is changed to a Thr changing protein sequence and it might alter its composition and physico- chemical properties. Multiple lines of computational evidence (Polyphen - Probably damaging, SIFT - Damaging and MutationTaster - Disease causing) predict a damaging effect on protein structure and function for this variant. The residue is conserved by GERP++ and PhyloP across 100 vertebrates. For these reasons, this variant has been classified as Uncertain Significance.